The following is an entry in ClinVar:

ClinVar aggregate classification (germline): Likely pathogenic (1 of 4 stars; one submission).

Submission:

Labcorp Genetics (formerly Invitae), Labcorp
Classification: Likely pathogenic. Last evaluated: 2019-11-25. Review status: criteria provided, single submitter. Criteria: Invitae Variant Classification Sherloc (09022015). Collection method: clinical testing. Allele origin: germline.
Comment: This variant results in the deletion of part of exon 43 (c.8655_8681+1681del) of the USH2A gene. It is expected to disrupt RNA splicing and likely results in an absent or disrupted protein product. This variant has not been reported in the literature in individuals with USH2A-related conditions. Loss-of-function variants in USH2A are known to be pathogenic (PMID: 10729113, 10909849, 20507924, 25649381). In summary, the currently available evidence indicates that the variant is pathogenic, but additional data are needed to prove that conclusively. Therefore, this variant has been classified as Likely Pathogenic.

NM_206933.4(USH2A):c.8655_8681+1681del

Gene: USH2A (usherin; minus strand). Cytogenetic location: 1q41.
Variant type: Deletion.
Coding change: c.8655_8681+1681del on transcript NM_206933.4 (MANE Select); coding-DNA position 8655 through 1681 bases into the intron after coding-DNA position 8681, 1,708 bases deleted.
Molecular consequence: splice donor variant.
Genome position (GRCh38, 1-based): chr1:215,876,077-215,877,784, 1,708 bases deleted. GRCh37 (hg19): chr1:216,049,422-216,051,129.
Identifiers: ClinVar variation 862923 (VCV000862923.1), ClinGen allele CA916082125.